The following is an entry in ClinVar:

ClinVar aggregate classification (germline): Pathogenic. Review status: criteria provided, multiple submitters, no conflicts (2 of 4 stars). 3 submissions from 3 submitters: Pathogenic (2). 1 of the submissions does not count toward it. Last evaluated 2021-04-23.

Conditions:
Charcot-Marie-Tooth disease. Also called: Charcot-Marie-Tooth Hereditary Neuropathy; Charcot-Marie-Tooth Neuropathy. Identifiers: Orphanet 166, MedGen C0007959, MONDO:0015626.
Charcot-Marie-Tooth disease type 4. Also called: Charcot-Marie-Tooth disease, type IV; Charcot-Marie-Tooth, Type 4. Identifiers: Orphanet 64749, MedGen C4082197, MONDO:0018995.

Allele frequency attached by ClinVar (database versions not stated): TOPMed below 0.00001; gnomAD exomes 0.00001; ExAC 0.00002.
gnomAD v4.1: 16 of 1,614,176 alleles (0.00099%); highest among the groups gnomAD compares: Non-Finnish European, 0.0014%; no homozygotes.

Submissions (3):

Labcorp Genetics (formerly Invitae), Labcorp
Classification: Pathogenic for Charcot-Marie-Tooth disease type 4. Last evaluated: 2021-04-23. Review status: criteria provided, single submitter. Criteria: Invitae Variant Classification Sherloc (09022015). Collection method: clinical testing. Allele origin: germline.
Comment: For these reasons, this variant has been classified as Pathogenic. This variant has not been reported in the literature in individuals with SH3TC2-related conditions. ClinVar contains an entry for this variant (Variation ID: 234623). This variant is present in population databases (rs749850181, ExAC 0.003%). This sequence change creates a premature translational stop signal (p.Glu462*) in the SH3TC2 gene. It is expected to result in an absent or disrupted protein product. Loss-of-function variants in SH3TC2 are known to be pathogenic (PMID: 20220177, 27068304).

GeneDx
Classification: Pathogenic. Last evaluated: 2015-12-04. Review status: criteria provided, single submitter. Criteria: GeneDx Variant Classification (06012015). Collection method: clinical testing. Allele origin: germline. Affected: yes.
Comment: The E462X nonsense variant in the SH3TC2 gene has been reported previously in association with Charcot-Marie-Tooth disease (DiVincenzo et al., 2014). The E462X variant was not observed in approximately 6,500 individuals of European and African American ancestry in the NHLBI Exome Sequencing Project, indicating it is not a common benign variant in these populations. This pathogenic variant is predicted to cause loss of normal protein function either through protein truncation or nonsense-mediated mRNA decay.

Inherited Neuropathy Consortium
Classification: Pathogenic for Charcot-Marie-Tooth disease. Review status: no assertion criteria provided. Collection method: literature only. Allele origin: germline. Affected: yes. Not counted in ClinVar's aggregate classification.

Literature cited by the submitters: PubMed 20220177 (cited by Labcorp Genetics (formerly Invitae), Labcorp); PubMed 27068304 (cited by Labcorp Genetics (formerly Invitae), Labcorp); PubMed 25614874 (cited by Inherited Neuropathy Consortium).

NM_024577.4(SH3TC2):c.1384G>T (p.Glu462Ter)

Gene: SH3TC2 (SH3 domain and tetratricopeptide repeats 2; minus strand). Cytogenetic location: 5q32.
Variant type: single nucleotide variant.
Coding change: c.1384G>T on transcript NM_024577.4 (MANE Select); coding-DNA position 1384, G replaced by T.
Protein change: p.Glu462Ter; replaces glutamic acid 462 with a stop codon.
Molecular consequence: nonsense.
Genome position (GRCh38, 1-based): chr5:149,028,348, C>A on the plus strand (G>T on the coding strand, the complement: SH3TC2 is on the minus strand). VCF-style: chr5-149028348-C-A. GRCh37 (hg19) VCF-style: chr5-148407911-C-A.
Other names: short protein forms E462*.
Identifiers: ClinVar variation 234623 (VCV000234623.12), dbSNP rs749850181, ClinGen allele CA3499187.